The following is an entry in ClinVar:

ClinVar aggregate classification (germline): Uncertain significance. Review status: criteria provided, multiple submitters, no conflicts (2 of 4 stars). 3 submissions from 3 submitters: Uncertain significance (3). Last evaluated 2025-09-10.

Conditions:
Early-infantile DEE. Also called: Early infantile epileptic encephalopathy; Early infantile epileptic encephalopathy with suppression bursts; Ohtahara syndrome. Identifiers: Orphanet 1934, MedGen C0393706, MONDO:0800491.

Allele frequency attached by ClinVar (database versions not stated): TOPMed below 0.00001; gnomAD exomes 0.00001; ExAC 0.00017.
gnomAD v4.1: 9 of 1,554,764 alleles (0.00058%); highest among the groups gnomAD compares: African/African-American, 0.0041%; no homozygotes.

Submissions (3):

Labcorp Genetics (formerly Invitae), Labcorp
Classification: Uncertain significance for Early-infantile DEE. Last evaluated: 2025-09-10. Review status: criteria provided, single submitter. Criteria: Invitae Variant Classification Sherloc (09022015). Collection method: clinical testing. Allele origin: germline.
Comment: This sequence change replaces proline, which is neutral and non-polar, with leucine, which is neutral and non-polar, at codon 713 of the KCNQ2 protein (p.Pro713Leu). The frequency data for this variant in the population databases is considered unreliable, as metrics indicate poor data quality at this position in the gnomAD database. This variant has not been reported in the literature in individuals affected with KCNQ2-related conditions. ClinVar contains an entry for this variant (Variation ID: 1490355). Invitae Evidence Modeling of protein sequence and biophysical properties (such as structural, functional, and spatial information, amino acid conservation, physicochemical variation, residue mobility, and thermodynamic stability) indicates that this missense variant is expected to disrupt KCNQ2 protein function with a positive predictive value of 95%. In summary, the available evidence is currently insufficient to determine the role of this variant in disease. Therefore, it has been classified as a Variant of Uncertain Significance.

Women's Health and Genetics/Laboratory Corporation of America, LabCorp
Classification: Uncertain significance. Last evaluated: 2022-12-14. Review status: criteria provided, single submitter. Criteria: LabCorp Variant Classification Summary - May 2015. Collection method: clinical testing. Allele origin: germline.
Comment: Variant summary: KCNQ2 c.2138C>T (p.Pro713Leu) results in a non-conservative amino acid change in the encoded protein sequence. Four of five in-silico tools predict a damaging effect of the variant on protein function. The variant allele was found at a frequency of 2.5e-05 in 160194 control chromosomes (gnomAD). The available data on variant occurrences in the general population are insufficient to allow any conclusion about variant significance. To our knowledge, no occurrence of c.2138C>T in individuals affected with KCNQ2-Related Disorders and no experimental evidence demonstrating its impact on protein function have been reported. One ClinVar submitter has assessed the variant since 2014: the variant was classified as uncertain significance. Based on the evidence outlined above, the variant was classified as uncertain significance.

Centre of Medical Genetics, University Hospital Muenster
Classification: Uncertain significance. Last evaluated: 2022-10-07. Review status: criteria provided, single submitter. Criteria: ACMG Guidelines, 2015. Collection method: clinical testing. Allele origin: unknown. Affected: yes. Observed: 1 variant allele, 1 heterozygote.
Comment: ACMG categories: PM2,PP3

NM_172107.4(KCNQ2):c.2138C>T (p.Pro713Leu)

Gene: KCNQ2 (potassium voltage-gated channel subfamily Q member 2; minus strand). Cytogenetic location: 20q13.33.
Variant type: single nucleotide variant.
Coding change: c.2138C>T on transcript NM_172107.4 (MANE Select); coding-DNA position 2138, C replaced by T.
Protein change: p.Pro713Leu; replaces proline 713 with leucine.
Molecular consequence: missense variant.
Genome position (GRCh38, 1-based): chr20:63,407,125, G>A on the plus strand (C>T on the coding strand, the complement: KCNQ2 is on the minus strand). VCF-style: chr20-63407125-G-A. GRCh37 (hg19) VCF-style: chr20-62038478-G-A.
Other names: c.2192C>T, p.Pro731Leu (NM_001382235.1); c.2054C>T, p.Pro685Leu (NM_004518.6); c.2084C>T, p.Pro695Leu (NM_172106.3); c.2045C>T, p.Pro682Leu (NM_172108.5); short protein forms P695L, P685L, P713L, P682L, P731L.
Identifiers: ClinVar variation 1490355 (VCV001490355.10), dbSNP rs750333438, ClinGen allele CA9958140.